The following is an entry in ClinVar:

NM_018076.5(ODAD2):c.1643A>G (p.His548Arg)

Gene: ODAD2 (outer dynein arm docking complex subunit 2; minus strand). Cytogenetic location: 10p12.1.
Variant type: single nucleotide variant.
Coding change: c.1643A>G on transcript NM_018076.5 (MANE Select); coding-DNA position 1643, A replaced by G.
Protein change: p.His548Arg; replaces histidine 548 with arginine.
Molecular consequence: missense variant.
Genome position (GRCh38, 1-based): chr10:27,944,322, T>C on the plus strand (A>G on the coding strand, the complement: ODAD2 is on the minus strand). VCF-style: chr10-27944322-T-C. GRCh37 (hg19) VCF-style: chr10-28233251-T-C.
Other names: c.1643A>G (NM_018076.2); c.1643A>G, p.His548Arg (NM_001290020.2); c.218A>G, p.His73Arg (NM_001290021.2); c.719A>G, p.His240Arg (NM_001312689.2); short protein forms H240R, H73R, H548R.
Identifiers: ClinVar variation 2025599 (VCV002025599.5), dbSNP rs1846707903, ClinGen allele CA376393057.
Genomic context (GRCh38, chr10:27,944,322, plus strand): 5'-GCTCTTTTAAACTTGGCAACATTCGCGATAGTCTCGGCTGCCAAACATTTTAGACTCTTG[T>C]GTGGAGAATCAAGTATATTCACCATAATTGGTAAGCCCCCAAGGTCAACAATATTCTGTC-3'
Protein context (NP_060546.2, residues 538-558): PIMVNILDSP[His548Arg]KSLKCLAAET

ClinVar aggregate classification (germline): Uncertain significance. Review status: criteria provided, multiple submitters, no conflicts (2 of 4 stars). 2 submissions from 2 submitters: Uncertain significance (2). Last evaluated 2025-08-23.

Conditions:
Primary ciliary dyskinesia. Also called: Ciliary dyskinesia. Identifiers: Orphanet 244, MedGen C0008780, MONDO:0016575, HP:0012265.
Primary ciliary dyskinesia 23 (CILD23). Also called: CILIARY DYSKINESIA, PRIMARY, 23, WITH OR WITHOUT SITUS INVERSUS. Identifiers: Orphanet 244, MedGen C3809548, MONDO:0014193, OMIM 615451.

Allele frequency attached by ClinVar (database versions not stated): TOPMed below 0.00001.

Submissions (2):

Ambry Genetics
Classification: Uncertain significance for Primary ciliary dyskinesia. Last evaluated: 2025-08-23. Review status: criteria provided, single submitter. Criteria: Ambry Variant Classification Scheme 2023. Collection method: clinical testing. Allele origin: germline.

Labcorp Genetics (formerly Invitae), Labcorp
Classification: Uncertain significance for Primary ciliary dyskinesia 23. Last evaluated: 2022-08-21. Review status: criteria provided, single submitter. Criteria: Invitae Variant Classification Sherloc (09022015). Collection method: clinical testing. Allele origin: germline.
Comment: This sequence change replaces histidine, which is basic and polar, with arginine, which is basic and polar, at codon 548 of the ARMC4 protein (p.His548Arg). In summary, the available evidence is currently insufficient to determine the role of this variant in disease. Therefore, it has been classified as a Variant of Uncertain Significance. Algorithms developed to predict the effect of missense changes on protein structure and function (SIFT, PolyPhen-2, Align-GVGD) all suggest that this variant is likely to be tolerated. This variant has not been reported in the literature in individuals affected with ARMC4-related conditions. This variant is not present in population databases (gnomAD no frequency).